The following is an entry in ClinVar:

ClinVar aggregate classification (germline): Uncertain significance (1 of 4 stars; one submission).

Conditions:
Hereditary cancer-predisposing syndrome. Also called: Tumor predisposition; Neoplastic Syndromes, Hereditary; Hereditary Cancer Syndrome; Hereditary neoplastic syndrome. Identifiers: Orphanet 140162, MedGen C0027672, MeSH D009386, MONDO:0015356.

Allele frequency attached by ClinVar (database versions not stated): gnomAD exomes below 0.00001.
gnomAD v4.1: 1 of 1,614,052 alleles (0.000062%); highest among the groups gnomAD compares: Non-Finnish European, 0.000085%; no homozygotes.

Submission:

Ambry Genetics
Classification: Uncertain significance for Hereditary cancer-predisposing syndrome. Last evaluated: 2021-09-07. Review status: criteria provided, single submitter. Criteria: Ambry Variant Classification Scheme 2023. Collection method: clinical testing. Allele origin: germline.
Comment: The p.I1078K variant (also known as c.3233T>A), located in coding exon 22 of the PDGFRA gene, results from a T to A substitution at nucleotide position 3233. The isoleucine at codon 1078 is replaced by lysine, an amino acid with dissimilar properties. This amino acid position is conserved. In addition, this alteration is predicted to be tolerated by in silico analysis. Since supporting evidence is limited at this time, the clinical significance of this alteration remains unclear.

NM_006206.6(PDGFRA):c.3233T>A (p.Ile1078Lys)

Gene: PDGFRA (platelet derived growth factor receptor alpha; plus strand). Cytogenetic location: 4q12.
Variant type: single nucleotide variant.
Coding change: c.3233T>A on transcript NM_006206.6 (MANE Select); coding-DNA position 3233, T replaced by A.
Protein change: p.Ile1078Lys; replaces isoleucine 1078 with lysine.
Molecular consequence: missense variant.
Genome position (GRCh38, 1-based): chr4:54,295,235, T>A. VCF-style: chr4-54295235-T-A. GRCh37 (hg19) VCF-style: chr4-55161402-T-A.
Other names: c.3308T>A, p.Ile1103Lys (NM_001347828.2); c.3233T>A, p.Ile1078Lys (NM_001347829.2); c.3272T>A, p.Ile1091Lys (NM_001347830.2); short protein forms I1091K, I1078K, I1103K.
Identifiers: ClinVar variation 1729217 (VCV001729217.2), dbSNP rs2475579252, ClinGen allele CA356896685.